The following is an entry in ClinVar:

NM_000548.5(TSC2):c.170G>A (p.Arg57His)

Gene: TSC2 (TSC complex subunit 2; plus strand). Cytogenetic location: 16p13.3.
Variant type: single nucleotide variant.
Coding change: c.170G>A on transcript NM_000548.5 (MANE Select); coding-DNA position 170, G replaced by A.
Protein change: p.Arg57His; replaces arginine 57 with histidine.
Molecular consequence: missense variant. On other transcripts: 5 prime UTR variant (1).
Genome position (GRCh38, 1-based): chr16:2,050,431, G>A. VCF-style: chr16-2050431-G-A. GRCh37 (hg19) VCF-style: chr16-2100432-G-A.
Other names: c.170G>A, p.Arg57His (NM_001077183.3, NM_001114382.3, NM_001318827.2 and 4 more transcripts); c.23G>A, p.Arg8His (NM_001318829.2); c.-57G>A (NM_001318831.2); c.203G>A, p.Arg68His (NM_001318832.2); short protein forms R57H, R68H, R8H.
Identifiers: ClinVar variation 64932 (VCV000064932.17), dbSNP rs397514949, ClinGen allele CA015456.

ClinVar aggregate classification (germline): Conflicting classifications of pathogenicity. Review status: criteria provided, conflicting classifications (1 of 4 stars). 5 submissions from 5 submitters: Uncertain significance (3); Benign (1). 1 of the submissions does not count toward it. Last evaluated 2025-12-12.

Conditions:
Hereditary cancer-predisposing syndrome. Also called: Tumor predisposition; Hereditary Cancer Syndrome; Neoplastic Syndromes, Hereditary; Hereditary neoplastic syndrome. Identifiers: Orphanet 140162, MedGen C0027672, MeSH D009386, MONDO:0015356.
Tuberous sclerosis 2 (TSC2). Identifiers: Orphanet 805, MedGen C1860707, MONDO:0013199, OMIM 613254.
Tuberous sclerosis syndrome (TSC). Also called: Tuberous Sclerosis Complex; Tuberous sclerosis. Identifiers: Orphanet 805, MedGen C0041341, MONDO:0001734.

Allele frequency attached by ClinVar (database versions not stated): gnomAD exomes below 0.00001 and 0.00001; ExAC 0.00001; gnomAD 0.00001; TOPMed 0.00001.

Submissions (5):

Ambry Genetics
Classification: Uncertain significance for Hereditary cancer-predisposing syndrome. Last evaluated: 2025-12-12. Review status: criteria provided, single submitter. Criteria: Ambry Variant Classification Scheme 2023. Collection method: clinical testing. Allele origin: germline.
Comment: The p.R57H variant (also known as c.170G>A), located in coding exon 2 of the TSC2 gene, results from a G to A substitution at nucleotide position 170. The arginine at codon 57 is replaced by histidine, an amino acid with highly similar properties. This variant has been identified in individuals with early on-set renal cell cancer, but who were not reported to have other features of tuberous sclerosis complex (Ambry internal data; Papageorgiou G et al. Rev Recent Clin Trials 2023 ;18(4):304-312). This variant has been reported in tuberous sclerosis complex cohorts (Luo C et al. Orphanet J Rare Dis, 2022 Jul;17:288; Hoogeveen-Westerveld M et al. Hum. Mutat., 2011 Apr;32:424-35). Protein functional studies of this variant demonstrated a deleterious impact (Hoogeveen-Westerveld M et al. Hum. Mutat., 2011 Apr;32:424-35). This amino acid position is highly conserved in available vertebrate species. In addition, this alteration is predicted to be deleterious by in silico analysis. Based on the available evidence, the clinical significance of this variant remains unclear.

Labcorp Genetics (formerly Invitae), Labcorp
Classification: Benign for Tuberous sclerosis 2. Last evaluated: 2025-12-01. Review status: criteria provided, single submitter. Criteria: Invitae Variant Classification Sherloc (09022015). Collection method: clinical testing. Allele origin: germline.

GeneDx
Classification: Uncertain significance. Last evaluated: 2025-01-21. Review status: criteria provided, single submitter. Criteria: GeneDx Variant Classification Process June 2021. Collection method: clinical testing. Allele origin: germline. Affected: yes.
Comment: Published functional studies demonstrate a damaging effect on TSC1-TSC2 complex formation and impaired inhibition of mTOR activity (PMID: 21309039); Observed in two adult sisters with renal cell carcinoma as well as their unaffected mother (PMID: 37877150); In silico analysis supports that this missense variant has a deleterious effect on protein structure/function; This variant is associated with the following publications: (PMID: 21520333, 27493206, 12187252, 35870981, 21309039, 32194744, 38589732, 37901334, 37877150)

Athena Diagnostics
Classification: Uncertain significance. Last evaluated: 2023-01-24. Review status: criteria provided, single submitter. Criteria: Athena Diagnostics Criteria. Collection method: clinical testing. Allele origin: unknown.
Comment: Available data are insufficient to determine the clinical significance of the variant at this time. The frequency of this variant in the general population is uninformative in assessment of its pathogenicity. Assessment of experimental evidence suggests this variant results in abnormal protein function. (PMID: 21309039) The variant is located in a region that is considered important for protein function and/or structure. Computational tools predict that this variant is damaging.

Tuberous sclerosis database (TSC2)
No classification provided. Condition: TSC. Review status: no classification provided. Criteria: Tuberous Sclerosis Database Assertion Criteria 2015. Collection method: curation. Allele origin: germline. Affected: yes. Not counted in ClinVar's aggregate classification.

Literature cited by the submitters: PubMed 21309039 (cited by Ambry Genetics and Athena Diagnostics); PubMed 27493206 (cited by Ambry Genetics and Athena Diagnostics); PubMed 35870981 (cited by Ambry Genetics); PubMed 37877150 (cited by Ambry Genetics).